The following is an entry in ClinVar:

NM_199420.4(POLQ):c.5152T>C (p.Ser1718Pro)

Gene: POLQ (DNA polymerase theta; minus strand). Cytogenetic location: 3q13.33.
Variant type: single nucleotide variant.
Coding change: c.5152T>C on transcript NM_199420.4 (MANE Select); coding-DNA position 5152, T replaced by C.
Protein change: p.Ser1718Pro; replaces serine 1718 with proline.
Molecular consequence: missense variant.
Genome position (GRCh38, 1-based): chr3:121,487,779, A>G on the plus strand (T>C on the coding strand, the complement: POLQ is on the minus strand). VCF-style: chr3-121487779-A-G. GRCh37 (hg19) VCF-style: chr3-121206626-A-G.
Other names: short protein forms S1718P.
Identifiers: ClinVar variation 1745680 (VCV001745680.3), dbSNP rs752578695, ClinGen allele CA2562783.
Genomic context (GRCh38, chr3:121,487,779, plus strand): 5'-TAGGAGGAATGAGACCATTATCATCAACTATATTACTTTCTTTACGAGGTAAGAGGGATG[A>G]GGTTTCATCATGATTGGCATTGTTTTCTAGCATCTCAATCTTGCTTTTTACTTCATTATT-3'
Protein context (NP_955452.3, residues 1708-1728): LENNANHDET[Ser1718Pro]SLLPRKESNI

ClinVar aggregate classification (germline): Uncertain significance (1 of 4 stars; one submission).

Allele frequency attached by ClinVar (database versions not stated): gnomAD exomes below 0.00001; TOPMed below 0.00001; ExAC 0.00001; gnomAD 0.00001.
gnomAD v4.1: 2 of 1,610,850 alleles (0.00012%); highest among the groups gnomAD compares: Middle Eastern, 0.016%; no homozygotes.

Submission:

Ambry Genetics
Classification: Uncertain significance. Last evaluated: 2024-10-31. Review status: criteria provided, single submitter. Criteria: Ambry Variant Classification Scheme 2023. Collection method: clinical testing. Allele origin: germline.
Comment: The p.S1718P variant (also known as c.5152T>C), located in coding exon 16 of the POLQ gene, results from a T to C substitution at nucleotide position 5152. The serine at codon 1718 is replaced by proline, an amino acid with similar properties. This amino acid position is conserved. In addition, this alteration is predicted to be tolerated by in silico analysis. Since supporting evidence is limited at this time, the clinical significance of this alteration remains unclear.